The following is an entry in ClinVar:

ClinVar aggregate classification (germline): Uncertain significance. Review status: criteria provided, multiple submitters, no conflicts (2 of 4 stars). 2 submissions from 2 submitters: Uncertain significance (2). Last evaluated 2025-05-19.

Conditions:
Colorectal cancer, hereditary nonpolyposis, type 7. Identifiers: Orphanet 144, MedGen C1858380, MONDO:0013725, OMIM 614385.

Allele frequency attached by ClinVar (database versions not stated): gnomAD exomes below 0.00001.
gnomAD v4.1: 1 of 1,614,166 alleles (0.000062%); no homozygotes.

Submissions (2):

Ambry Genetics
Classification: Uncertain significance. Last evaluated: 2025-05-19. Review status: criteria provided, single submitter. Criteria: Ambry Variant Classification Scheme 2023. Collection method: clinical testing. Allele origin: germline.
Comment: The p.A1012V variant (also known as c.3035C>T), located in coding exon 1 of the MLH3 gene, results from a C to T substitution at nucleotide position 3035. The alanine at codon 1012 is replaced by valine, an amino acid with similar properties. This amino acid position is conserved. In addition, this alteration is predicted to be tolerated by in silico analysis. Based on the available evidence, the clinical significance of this variant remains unclear.

Labcorp Genetics (formerly Invitae), Labcorp
Classification: Uncertain significance for Colorectal cancer, hereditary nonpolyposis, type 7. Last evaluated: 2023-08-16. Review status: criteria provided, single submitter. Criteria: Invitae Variant Classification Sherloc (09022015). Collection method: clinical testing. Allele origin: germline.
Comment: This sequence change replaces alanine, which is neutral and non-polar, with valine, which is neutral and non-polar, at codon 1012 of the MLH3 protein (p.Ala1012Val). This variant is not present in population databases (gnomAD no frequency). This variant has not been reported in the literature in individuals affected with MLH3-related conditions. An algorithm developed to predict the effect of missense changes on protein structure and function (PolyPhen-2) suggests that this variant is likely to be tolerated. In summary, the available evidence is currently insufficient to determine the role of this variant in disease. Therefore, it has been classified as a Variant of Uncertain Significance.

NM_001040108.2(MLH3):c.3035C>T (p.Ala1012Val)

Gene: MLH3 (mutL homolog 3; minus strand). Cytogenetic location: 14q24.3.
Variant type: single nucleotide variant.
Coding change: c.3035C>T on transcript NM_001040108.2 (MANE Select); coding-DNA position 3035, C replaced by T.
Protein change: p.Ala1012Val; replaces alanine 1012 with valine.
Molecular consequence: missense variant.
Genome position (GRCh38, 1-based): chr14:75,046,621, G>A on the plus strand (C>T on the coding strand, the complement: MLH3 is on the minus strand). VCF-style: chr14-75046621-G-A. GRCh37 (hg19) VCF-style: chr14-75513324-G-A.
Other names: c.3035C>T, p.Ala1012Val (NM_014381.3); short protein forms A1012V.
Identifiers: ClinVar variation 2891233 (VCV002891233.4), dbSNP rs2503255371, ClinGen allele CA390436799.
Genomic context (GRCh38, chr14:75,046,621, plus strand): 5'-GAACAAGCTCTTGCTTTAGATTCCTCACTCTGAAAACAAATTCCATTTTGGTCACCTGTG[G>A]CATCTTCTACCGGATTCATTAACATTCCACTGGGAGAGTCAAGACTTCCTATCTGTTGTT-3'
Protein context (NP_001035197.1, residues 1002-1022): SGMLMNPVED[Ala1012Val]TGDQNGICFQ